The following is an entry in ClinVar:

ClinVar aggregate classification (germline): Uncertain significance. Review status: criteria provided, multiple submitters, no conflicts (2 of 4 stars). 6 submissions from 6 submitters: Uncertain significance (6). Last evaluated 2025-10-03.

Conditions:
Renal tubular acidosis, distal, 3, with or without sensorineural hearing loss (DRTA3). Identifiers: MedGen C5399980, MONDO:0011268, OMIM 602722.
Inborn genetic diseases. Identifiers: MedGen C0950123, MeSH D030342.
Autosomal recessive distal renal tubular acidosis. Identifiers: Orphanet 402041, MedGen C1864498, MONDO:0018440.

Allele frequency attached by ClinVar (database versions not stated): TOPMed 0.00004; ExAC 0.00006; gnomAD exomes 0.00006 and 0.00007; gnomAD 0.00008 and 0.00009; ESP Exome Variant Server 0.00023.
gnomAD v4.1: 116 of 1,613,888 alleles (0.0072%); highest among the groups gnomAD compares: Non-Finnish European, 0.0097%; 2 homozygotes.

Submissions (6):

Rare Kidney Stone Consortium and the Mayo Clinic Hyperoxaluria Center, Mayo Clinic
Classification: Uncertain significance for Renal tubular acidosis, distal, 3, with or without sensorineural hearing loss. Last evaluated: 2025-10-03. Review status: criteria provided, single submitter. Criteria: ACMG Guidelines, 2015. Collection method: research. Allele origin: germline. Observed: 3 variant alleles.
Comment: ACMG:PM1, PM2, PP3, BS2

Blueprint Genetics
Classification: Uncertain significance. Last evaluated: 2024-11-06. Review status: criteria provided, single submitter. Criteria: ACMG Guidelines, 2015. Collection method: clinical testing. Allele origin: germline.

Labcorp Genetics (formerly Invitae), Labcorp
Classification: Uncertain significance. Last evaluated: 2024-04-26. Review status: criteria provided, single submitter. Criteria: Invitae Variant Classification Sherloc (09022015). Collection method: clinical testing. Allele origin: germline.
Comment: This sequence change replaces threonine, which is neutral and polar, with alanine, which is neutral and non-polar, at codon 397 of the ATP6V0A4 protein (p.Thr397Ala). This variant is present in population databases (rs140896827, gnomAD 0.02%). This variant has not been reported in the literature in individuals affected with ATP6V0A4-related conditions. ClinVar contains an entry for this variant (Variation ID: 908670). Advanced modeling of protein sequence and biophysical properties (such as structural, functional, and spatial information, amino acid conservation, physicochemical variation, residue mobility, and thermodynamic stability) performed at Invitae indicates that this missense variant is not expected to disrupt ATP6V0A4 protein function with a negative predictive value of 80%. In summary, the available evidence is currently insufficient to determine the role of this variant in disease. Therefore, it has been classified as a Variant of Uncertain Significance.

Fulgent Genetics
Classification: Uncertain significance for Renal tubular acidosis, distal, 3, with or without sensorineural hearing loss. Last evaluated: 2021-11-13. Review status: criteria provided, single submitter. Criteria: ACMG Guidelines, 2015. Collection method: clinical testing. Allele origin: unknown.

Ambry Genetics
Classification: Uncertain significance for Inborn genetic diseases. Last evaluated: 2021-11-09. Review status: criteria provided, single submitter. Criteria: Ambry Variant Classification Scheme 2023. Collection method: clinical testing. Allele origin: germline.

Illumina Laboratory Services, Illumina
Classification: Uncertain significance for Renal tubular acidosis, distal, 3, with or without sensorineural hearing loss. Last evaluated: 2018-01-13. Review status: criteria provided, single submitter. Criteria: ICSL Variant Classification Criteria 13 December 2019. Collection method: clinical testing. Allele origin: germline.

Literature cited by the submitters: PubMed 40794449 (cited by Rare Kidney Stone Consortium and the Mayo Clinic Hyperoxaluria Center, Mayo Clinic).

NM_020632.3(ATP6V0A4):c.1189A>G (p.Thr397Ala)

Gene: ATP6V0A4 (ATPase H+ transporting V0 subunit a4; minus strand). Cytogenetic location: 7q34.
Variant type: single nucleotide variant.
Coding change: c.1189A>G on transcript NM_020632.3 (MANE Select); coding-DNA position 1189, A replaced by G.
Protein change: p.Thr397Ala; replaces threonine 397 with alanine.
Molecular consequence: missense variant.
Genome position (GRCh38, 1-based): chr7:138,747,556, T>C on the plus strand (A>G on the coding strand, the complement: ATP6V0A4 is on the minus strand). VCF-style: chr7-138747556-T-C. GRCh37 (hg19) VCF-style: chr7-138432301-T-C.
Other names: c.1189A>G, p.Thr397Ala (NM_130840.3, NM_130841.3); short protein forms T397A.
Identifiers: ClinVar variation 908670 (VCV000908670.11), dbSNP rs140896827, ClinGen allele CA4504848.